The following is an entry in ClinVar:

ClinVar aggregate classification (germline): Uncertain significance (1 of 4 stars; one submission).

Submission:

Labcorp Genetics (formerly Invitae), Labcorp
Classification: Uncertain significance. Last evaluated: 2022-12-03. Review status: criteria provided, single submitter. Criteria: Invitae Variant Classification Sherloc (09022015). Collection method: clinical testing. Allele origin: germline.
Comment: In summary, the available evidence is currently insufficient to determine the role of this variant in disease. Therefore, it has been classified as a Variant of Uncertain Significance. Algorithms developed to predict the effect of missense changes on protein structure and function output the following: SIFT: "Deleterious"; PolyPhen-2: "Benign"; Align-GVGD: "Class C0". The arginine amino acid residue is found in multiple mammalian species, which suggests that this missense change does not adversely affect protein function. This variant has not been reported in the literature in individuals affected with PTHLH-related conditions. This variant is not present in population databases (gnomAD no frequency). This sequence change replaces glycine, which is neutral and non-polar, with arginine, which is basic and polar, at codon 156 of the PTHLH protein (p.Gly156Arg).

NM_198965.2(PTHLH):c.466G>A (p.Gly156Arg)

Gene: PTHLH (parathyroid hormone like hormone; minus strand). Cytogenetic location: 12p11.22.
Variant type: single nucleotide variant.
Coding change: c.466G>A on transcript NM_198965.2 (MANE Select); coding-DNA position 466, G replaced by A.
Protein change: p.Gly156Arg; replaces glycine 156 with arginine.
Molecular consequence: missense variant.
Genome position (GRCh38, 1-based): chr12:27,963,406, C>T on the plus strand (G>A on the coding strand, the complement: PTHLH is on the minus strand). VCF-style: chr12-27963406-C-T. GRCh37 (hg19) VCF-style: chr12-28116339-C-T.
Other names: c.466G>A, p.Gly156Arg (NM_002820.3, NM_198964.2, NM_198966.2); short protein forms G156R.
Identifiers: ClinVar variation 2818099 (VCV002818099.3), dbSNP rs2539962013, ClinGen allele CA384338740.